The following is an entry in ClinVar:

NM_001374385.1(ATP8B1):c.2837G>C (p.Arg946Thr)

Genes: ATP8B1 (ATPase phospholipid transporting 8B1; minus strand), ATP8B1-AS1 (ATP8B1 antisense RNA 1; plus strand). Cytogenetic location: 18q21.31.
Variant type: single nucleotide variant.
Coding change: c.2837G>C on transcript NM_001374385.1 (MANE Select); coding-DNA position 2837, G replaced by C.
Protein change: p.Arg946Thr; replaces arginine 946 with threonine.
Molecular consequence: missense variant.
Genome position (GRCh38, 1-based): chr18:57,655,288, C>G on the plus strand (G>C on the coding strand, the complement: ATP8B1 is on the minus strand). VCF-style: chr18-57655288-C-G. GRCh37 (hg19) VCF-style: chr18-55322520-C-G.
Other names: c.2687G>C, p.Arg896Thr (NM_001374386.1); c.2837G>C, p.Arg946Thr (NM_005603.6); short protein forms R896T, R946T.
Identifiers: ClinVar variation 4846280 (VCV004846280.1).

ClinVar aggregate classification (germline): Uncertain significance (1 of 4 stars; one submission).

Conditions:
Familial intrahepatic cholestasis. Identifiers: Orphanet 284385, MedGen CN296401, MONDO:0017290.

gnomAD v4.1: 1 of 1,614,178 alleles (0.000062%); highest among the groups gnomAD compares: Non-Finnish European, 0.000085%; no homozygotes.

Submission:

Genomenon, Inc
Classification: Uncertain significance for Familial intrahepatic cholestasis. Last evaluated: 2026-04-14. Review status: criteria provided, single submitter. Criteria: Genomenon Sequence Variant Interpretation Standards - Updated. Collection method: curation. Allele origin: germline. Affected: no.
Comment: ATP8B1 p.Arg946Thr (c.2837G>C) is a missense variant that changes the amino acid at residue 946 from Arginine to Threonine. This variant has been reported in the published literature (PMID:24260417). It is absent or not present at a significant frequency in gnomAD. In silico models predict that this variant is possibly or probably damaging. In conclusion, we classify ATP8B1 p.Arg946Thr (c.2837G>C) as a variant of uncertain significance.

Literature cited by the submitters: PubMed 24260417.